The following is an entry in ClinVar:

ClinVar aggregate classification (germline): Likely benign. Review status: criteria provided, multiple submitters, no conflicts (2 of 4 stars). 7 submissions from 7 submitters: Likely benign (5). 2 of the submissions do not count toward it. Last evaluated 2026-01-01.

Allele frequency attached by ClinVar (database versions not stated): ExAC 0.00001; gnomAD exomes 0.00002; gnomAD 0.00003; TOPMed 0.00003; 1000 Genomes Project 30x 0.00021; 1000 Genomes Project 0.00026.
gnomAD v4.1: 38 of 1,209,530 alleles (0.0031%); highest among the groups gnomAD compares: African/African-American, 0.03%; no homozygotes.

Submissions (7):

CeGaT Center for Human Genetics Tuebingen
Classification: Likely benign. Last evaluated: 2026-01-01. Review status: criteria provided, single submitter. Criteria: CeGaT Center For Human Genetics Tuebingen Variant Classification Criteria Version 2. Collection method: clinical testing. Allele origin: germline. Affected: yes. Observed: 2 variant alleles.
Comment: HUWE1: BS2

Labcorp Genetics (formerly Invitae), Labcorp
Classification: Likely benign. Last evaluated: 2023-12-27. Review status: criteria provided, single submitter. Criteria: Invitae Variant Classification Sherloc (09022015). Collection method: clinical testing. Allele origin: germline.

Blueprint Genetics
Classification: Likely benign. Last evaluated: 2023-03-15. Review status: criteria provided, single submitter. Criteria: ACMG Guidelines, 2015. Collection method: clinical testing. Allele origin: germline.

Genetic Services Laboratory, University of Chicago
Classification: Likely benign. Last evaluated: 2019-05-21. Review status: criteria provided, single submitter. Criteria: ACMG Guidelines, 2015. Collection method: clinical testing. Allele origin: germline. Affected: no.

Breakthrough Genomics
Classification: Likely benign. Review status: criteria provided, single submitter. Criteria: ACMG Guidelines, 2015. Collection method: not provided. Allele origin: germline. Inheritance: X-linked inheritance. Affected: yes.

Clinical Genetics DNA and cytogenetics Diagnostics Lab, Erasmus MC, Erasmus Medical Center
Classification: Likely benign. Review status: no assertion criteria provided. Collection method: clinical testing. Allele origin: germline. Affected: yes. Study: VKGL Data-share Consensus. Not counted in ClinVar's aggregate classification.

Genome Diagnostics Laboratory, University Medical Center Utrecht
Classification: Likely benign. Review status: no assertion criteria provided. Collection method: clinical testing. Allele origin: germline. Affected: yes. Study: VKGL Data-share Consensus. Not counted in ClinVar's aggregate classification.

NM_031407.7(HUWE1):c.4827C>T (p.Tyr1609=)

Gene: HUWE1 (HECT, UBA and WWE domain containing E3 ubiquitin protein ligase 1; minus strand). Cytogenetic location: Xp11.22.
Variant type: single nucleotide variant.
Coding change: c.4827C>T on transcript NM_031407.7 (MANE Select); coding-DNA position 4827, C replaced by T.
Protein change: p.Tyr1609=; no amino-acid change (tyrosine 1609 retained).
Molecular consequence: synonymous variant.
Genome position (GRCh38, 1-based): chrX:53,585,186, G>A on the plus strand (C>T on the coding strand, the complement: HUWE1 is on the minus strand). VCF-style: chrX-53585186-G-A. GRCh37 (hg19) VCF-style: chrX-53612146-G-A.
Identifiers: ClinVar variation 1328003 (VCV001328003.18), dbSNP rs782435043, ClinGen allele CA10422331.
Genomic context (GRCh38, chrX:53,585,186, plus strand): 5'-ACTACACCAACGCCCAGAGCGATCATCAAACCAGCGCCAGTTGTTGCTGTTGGATTGCAG[G>A]TACTAAACATAAAAGTACAAAGTTTCTTTGTATTTCTTTCAAGGTTGATTAGAAGAAATA-3'
Protein context (NP_113584.3, residues 1599-1619): SSKRRAQMTK[Tyr1609=]LQSNSNNWRW